The following is an entry in ClinVar:

ClinVar aggregate classification (germline): Conflicting classifications of pathogenicity. Review status: criteria provided, conflicting classifications (1 of 4 stars). 2 submissions from 2 submitters: Uncertain significance (1); Likely benign (1). Last evaluated 2026-06-16.

Conditions:
ROR1-related disorder. Also called: ROR1-related condition.

gnomAD v4.1: 50 of 1,614,178 alleles (0.0031%); highest among the groups gnomAD compares: East Asian, 0.071%; no homozygotes.

Submissions (2):

PreventionGenetics, part of Exact Sciences
Classification: Likely benign for ROR1-related condition. Last evaluated: 2026-06-16. Review status: criteria provided, single submitter. Criteria: ACMG Guidelines, 2015. Collection method: clinical testing. Allele origin: germline.
Comment: This variant is classified as likely benign based on ACMG/AMP sequence variant interpretation guidelines (Richards et al. 2015 PMID: 25741868, with internal and published modifications).

Labcorp Genetics (formerly Invitae), Labcorp
Classification: Uncertain significance. Last evaluated: 2024-02-03. Review status: criteria provided, single submitter. Criteria: Invitae Variant Classification Sherloc (09022015). Collection method: clinical testing. Allele origin: germline.
Comment: This sequence change replaces arginine, which is basic and polar, with glutamine, which is neutral and polar, at codon 103 of the ROR1 protein (p.Arg103Gln). This variant is present in population databases (rs200761925, gnomAD 0.2%), and has an allele count higher than expected for a pathogenic variant. This variant has not been reported in the literature in individuals affected with ROR1-related conditions. Advanced modeling of protein sequence and biophysical properties (such as structural, functional, and spatial information, amino acid conservation, physicochemical variation, residue mobility, and thermodynamic stability) performed at Invitae indicates that this missense variant is not expected to disrupt ROR1 protein function with a negative predictive value of 80%. In summary, the available evidence is currently insufficient to determine the role of this variant in disease. Therefore, it has been classified as a Variant of Uncertain Significance.

NM_005012.4(ROR1):c.308G>A (p.Arg103Gln)

Gene: ROR1 (ROR family WNT receptor 1; plus strand). Cytogenetic location: 1p31.3.
Variant type: single nucleotide variant.
Coding change: c.308G>A on transcript NM_005012.4 (MANE Select); coding-DNA position 308, G replaced by A.
Protein change: p.Arg103Gln; replaces arginine 103 with glutamine.
Molecular consequence: missense variant.
Genome position (GRCh38, 1-based): chr1:64,049,835, G>A. VCF-style: chr1-64049835-G-A. GRCh37 (hg19) VCF-style: chr1-64515507-G-A.
Other names: c.308G>A (NM_005012.3); c.308G>A, p.Arg103Gln (NM_001083592.2); short protein forms R103Q.
Identifiers: ClinVar variation 3716543 (VCV003716543.3).